The following is an entry in ClinVar:

NM_000435.3(NOTCH3):c.3171G>A (p.Ala1057=)

Gene: NOTCH3 (notch receptor 3; minus strand). Cytogenetic location: 19p13.12.
Variant type: single nucleotide variant.
Coding change: c.3171G>A on transcript NM_000435.3 (MANE Select); coding-DNA position 3171, G replaced by A.
Protein change: p.Ala1057=; no amino-acid change (alanine 1057 retained).
Molecular consequence: synonymous variant.
Genome position (GRCh38, 1-based): chr19:15,180,228, C>T on the plus strand (G>A on the coding strand, the complement: NOTCH3 is on the minus strand). VCF-style: chr19-15180228-C-T. GRCh37 (hg19) VCF-style: chr19-15291039-C-T.
Identifiers: ClinVar variation 725995 (VCV000725995.25), dbSNP rs569728292, ClinGen allele CA505824437.

ClinVar aggregate classification (germline): Likely benign. Review status: criteria provided, multiple submitters, no conflicts (2 of 4 stars). 2 submissions from 2 submitters: Likely benign (2). Last evaluated 2024-02-01.

Allele frequency attached by ClinVar (database versions not stated): gnomAD 0.00001; TOPMed 0.00002.
gnomAD v4.1: 17 of 1,613,654 alleles (0.0011%); highest among the groups gnomAD compares: Non-Finnish European, 0.0014%; no homozygotes.

Submissions (2):

CeGaT Center for Human Genetics Tuebingen
Classification: Likely benign. Last evaluated: 2024-02-01. Review status: criteria provided, single submitter. Criteria: CeGaT Center For Human Genetics Tuebingen Variant Classification Criteria Version 2. Collection method: clinical testing. Allele origin: germline. Affected: yes. Observed: 1 variant allele.
Comment: NOTCH3: BP4, BP7

Labcorp Genetics (formerly Invitae), Labcorp
Classification: Likely benign. Last evaluated: 2018-05-08. Review status: criteria provided, single submitter. Criteria: Invitae Variant Classification Sherloc (09022015). Collection method: clinical testing. Allele origin: germline.